The following is an entry in ClinVar:

NM_001369369.1(FOXN1):c.8C>T (p.Ser3Leu)

Gene: FOXN1 (forkhead box N1; plus strand). Cytogenetic location: 17q11.2.
Variant type: single nucleotide variant.
Coding change: c.8C>T on transcript NM_001369369.1 (MANE Select); coding-DNA position 8, C replaced by T.
Protein change: p.Ser3Leu; replaces serine 3 with leucine.
Molecular consequence: missense variant.
Genome position (GRCh38, 1-based): chr17:28,523,977, C>T. VCF-style: chr17-28523977-C-T. GRCh37 (hg19) VCF-style: chr17-26850995-C-T.
Other names: c.8C>T, p.Ser3Leu (NM_003593.3); short protein forms S3L.
Identifiers: ClinVar variation 1016438 (VCV001016438.5), dbSNP rs146091703, ClinGen allele CA8459111.

ClinVar aggregate classification (germline): Uncertain significance (1 of 4 stars; one submission).

Conditions:
T-cell immunodeficiency, congenital alopecia, and nail dystrophy. Also called: Congenital alopecia and nail dystrophy associated with severe functional T-cell immunodeficiency; Pignata Guarino syndrome. Identifiers: Orphanet 169095, MedGen C1866426, MONDO:0011132, OMIM 601705.

Allele frequency attached by ClinVar (database versions not stated): gnomAD exomes 0.00001 and 0.00004; ExAC 0.00003; TOPMed 0.00007; ESP Exome Variant Server 0.00008; gnomAD 0.00011.
gnomAD v4.1: 33 of 1,612,554 alleles (0.002%); highest among the groups gnomAD compares: Admixed American, 0.04%; no homozygotes.

Submission:

Labcorp Genetics (formerly Invitae), Labcorp
Classification: Uncertain significance for T-cell immunodeficiency, congenital alopecia, and nail dystrophy. Last evaluated: 2024-10-22. Review status: criteria provided, single submitter. Criteria: Invitae Variant Classification Sherloc (09022015). Collection method: clinical testing. Allele origin: germline.
Comment: This sequence change replaces serine, which is neutral and polar, with leucine, which is neutral and non-polar, at codon 3 of the FOXN1 protein (p.Ser3Leu). This variant is present in population databases (rs146091703, gnomAD 0.03%). This variant has not been reported in the literature in individuals affected with FOXN1-related conditions. ClinVar contains an entry for this variant (Variation ID: 1016438). An algorithm developed to predict the effect of missense changes on protein structure and function (PolyPhen-2) suggests that this variant is likely to be disruptive. In summary, the available evidence is currently insufficient to determine the role of this variant in disease. Therefore, it has been classified as a Variant of Uncertain Significance.